The following is an entry in ClinVar:

ClinVar aggregate classification (germline): Uncertain significance (1 of 4 stars; one submission).

gnomAD v4.1: 82 of 1,594,360 alleles (0.0051%); highest among the groups gnomAD compares: Non-Finnish European, 0.0065%; no homozygotes.

Submission:

Ambry Genetics
Classification: Uncertain significance. Last evaluated: 2024-08-01. Review status: criteria provided, single submitter. Criteria: Ambry Variant Classification Scheme 2023. Collection method: clinical testing. Allele origin: germline.
Comment: The c.7C>A (p.R3S) alteration is located in exon (coding exon ) of the MPPED1 gene. This alteration results from a C to A substitution at nucleotide position 7, causing the arginine (R) at amino acid position 3 to be replaced by a serine (S). Based on insufficient or conflicting evidence, the clinical significance of this alteration remains unclear.

NM_001044370.2(MPPED1):c.7C>A (p.Arg3Ser)

Gene: MPPED1 (metallophosphoesterase domain containing 1; plus strand). Cytogenetic location: 22q13.2.
Variant type: single nucleotide variant.
Coding change: c.7C>A on transcript NM_001044370.2 (MANE Select); coding-DNA position 7, C replaced by A.
Protein change: p.Arg3Ser; replaces arginine 3 with serine.
Molecular consequence: missense variant.
Genome position (GRCh38, 1-based): chr22:43,424,992, C>A. VCF-style: chr22-43424992-C-A. GRCh37 (hg19) VCF-style: chr22-43820998-C-A.
Other names: c.7C>A, p.Arg3Ser (NM_001362786.2); short protein forms R3S.
Identifiers: ClinVar variation 3397731 (VCV003397731.1).
Genomic context (GRCh38, chr22:43,424,992, plus strand): 5'-CCGGGCTGCGGTGGCGGCAGCGGTGGGAGATGCCGGGGCGGCCGGCGGAGGTCCATGTGG[C>A]GCTCTAGGTGGGATGCCAGCGTCCTGAAGGCGGAGGCCCTGGCCCTCCTCCCCTGCGGCC-3'
Protein context (NP_001037835.1, residues 1-13): MW[Arg3Ser]SRWDASVLKA